The following is an entry in ClinVar:

ClinVar aggregate classification (germline): Uncertain significance. Review status: criteria provided, single submitter (1 of 4 stars). 2 submissions from 2 submitters: Uncertain significance (1). 1 of the submissions does not count toward it. Last evaluated 2025-11-25.

Conditions:
ARID1A-related disorder. Also called: ARID1A-related condition.
Inborn genetic diseases. Identifiers: MedGen C0950123, MeSH D030342.

gnomAD v4.1: 2 of 1,614,152 alleles (0.00012%); highest among the groups gnomAD compares: Non-Finnish European, 0.00017%; no homozygotes.

Submissions (2):

Ambry Genetics
Classification: Uncertain significance for Inborn genetic diseases. Last evaluated: 2025-11-25. Review status: criteria provided, single submitter. Criteria: Ambry Variant Classification Scheme 2023. Collection method: clinical testing. Allele origin: germline.
Comment: The c.3527T>C (p.L1176S) alteration is located in exon 13 (coding exon 13) of the ARID1A gene. This alteration results from a T to C substitution at nucleotide position 3527, causing the leucine (L) at amino acid position 1176 to be replaced by a serine (S). Based on data from gnomAD, the C allele has an overall frequency of <0.001% (1/251472) total alleles studied. The highest observed frequency was 0.001% (1/113748) of European (non-Finnish) alleles. Based on insufficient or conflicting evidence, the clinical significance of this alteration remains unclear.

PreventionGenetics, part of Exact Sciences
Classification: Uncertain significance for ARID1A-related condition. Last evaluated: 2024-08-05. Review status: no assertion criteria provided. Collection method: clinical testing. Allele origin: germline. Not counted in ClinVar's aggregate classification.
Comment: The ARID1A c.3527T>C variant is predicted to result in the amino acid substitution p.Leu1176Ser. To our knowledge, this variant has not been reported in the literature. This variant is reported in 0.00088% of alleles in individuals of European (Non-Finnish) descent in gnomAD. At this time, the clinical significance of this variant is uncertain due to the absence of conclusive functional and genetic evidence.

NM_006015.6(ARID1A):c.3527T>C (p.Leu1176Ser)

Genes: ARID1A (AT-rich interaction domain 1A; plus strand), LOC126805670 (CDK7 strongly-dependent group 2 enhancer GRCh37_chr1:27098665-27099864; plus strand). Cytogenetic location: 1p36.11.
Variant type: single nucleotide variant.
Coding change: c.3527T>C on transcript NM_006015.6 (MANE Select); coding-DNA position 3527, T replaced by C.
Protein change: p.Leu1176Ser; replaces leucine 1176 with serine.
Molecular consequence: missense variant.
Genome position (GRCh38, 1-based): chr1:26,772,620, T>C. VCF-style: chr1-26772620-T-C. GRCh37 (hg19) VCF-style: chr1-27099111-T-C.
Other names: c.3527T>C, p.Leu1176Ser (NM_139135.4); short protein forms L1176S.
Identifiers: ClinVar variation 3354691 (VCV003354691.2).